The following is an entry in ClinVar:

NM_153460.4(IL17RC):c.68G>C (p.Arg23Thr)

Gene: IL17RC (interleukin 17 receptor C; plus strand). Cytogenetic location: 3p25.3.
Variant type: single nucleotide variant.
Coding change: c.68G>C on transcript NM_153460.4 (MANE Select); coding-DNA position 68, G replaced by C.
Protein change: p.Arg23Thr; replaces arginine 23 with threonine.
Molecular consequence: missense variant. On other transcripts: non-coding transcript variant (1).
Genome position (GRCh38, 1-based): chr3:9,917,383, G>C. VCF-style: chr3-9917383-G-C. GRCh37 (hg19) VCF-style: chr3-9959067-G-C.
Other names: c.68G>C, p.Arg23Thr (NM_001203263.2, NM_001203264.2, NM_001203265.2 and 5 more transcripts); short protein forms R23T.
Identifiers: ClinVar variation 1488363 (VCV001488363.6), dbSNP rs2125112486, ClinGen allele CA351753053.
Genomic context (GRCh38, chr3:9,917,383, plus strand): 5'-TGCCCTGGTTCTTGCTGTCCTTGGCACTGGGCCGAAGCCCAGTGGTCCTTTCTCTGGAGA[G>C]GCTTGTGGGGCCTCAGGACGCTACCCACTGCTCTCCGGTGAGTCTGGAACCCTGGGGAGA-3'
Protein context (NP_703190.2, residues 13-33): GRSPVVLSLE[Arg23Thr]LVGPQDATHC

ClinVar aggregate classification (germline): Uncertain significance (1 of 4 stars; one submission).

Conditions:
Candidiasis, familial, 9 (CANDF9). Identifiers: Orphanet 1334, MedGen C4225324, MONDO:0014642, OMIM 616445.

Submission:

Labcorp Genetics (formerly Invitae), Labcorp
Classification: Uncertain significance for Candidiasis, familial, 9. Last evaluated: 2022-07-05. Review status: criteria provided, single submitter. Criteria: Invitae Variant Classification Sherloc (09022015). Collection method: clinical testing. Allele origin: germline.
Comment: Algorithms developed to predict the effect of missense changes on protein structure and function are either unavailable or do not agree on the potential impact of this missense change (SIFT: "Deleterious"; PolyPhen-2: "Benign"; Align-GVGD: "Class C0"). This sequence change replaces arginine, which is basic and polar, with threonine, which is neutral and polar, at codon 23 of the IL17RC protein (p.Arg23Thr). This variant is not present in population databases (gnomAD no frequency). This variant has not been reported in the literature in individuals affected with IL17RC-related conditions. ClinVar contains an entry for this variant (Variation ID: 1488363). In summary, the available evidence is currently insufficient to determine the role of this variant in disease. Therefore, it has been classified as a Variant of Uncertain Significance.